The following is an entry in ClinVar:

ClinVar aggregate classification (germline): Uncertain significance (1 of 4 stars; one submission).

Conditions:
PLXNA2-related disorder. Also called: PLXNA2-related condition.

gnomAD v4.1: 17 of 1,613,834 alleles (0.0011%); highest among the groups gnomAD compares: African/African-American, 0.008%; no homozygotes.

Submission:

PreventionGenetics, part of Exact Sciences
Classification: Uncertain significance for PLXNA2-related condition. Last evaluated: 2026-04-24. Review status: criteria provided, single submitter. Criteria: ACMG Guidelines, 2015. Collection method: clinical testing. Allele origin: germline.
Comment: The PLXNA2 c.3727G>A variant is predicted to result in the amino acid substitution p.Ala1243Thr. To our knowledge, this variant has not been reported in the literature. This variant is reported in 0.0080% of alleles in individuals of African descent in gnomAD. At this time, the clinical significance of this variant is uncertain due to the absence of conclusive functional and genetic evidence.

NM_025179.4(PLXNA2):c.3727G>A (p.Ala1243Thr)

Gene: PLXNA2 (plexin A2; minus strand). Cytogenetic location: 1q32.2.
Variant type: single nucleotide variant.
Coding change: c.3727G>A on transcript NM_025179.4 (MANE Select); coding-DNA position 3727, G replaced by A.
Protein change: p.Ala1243Thr; replaces alanine 1243 with threonine.
Molecular consequence: missense variant.
Genome position (GRCh38, 1-based): chr1:208,044,655, C>T on the plus strand (G>A on the coding strand, the complement: PLXNA2 is on the minus strand). VCF-style: chr1-208044655-C-T. GRCh37 (hg19) VCF-style: chr1-208218000-C-T.
Other names: short protein forms A1243T.
Identifiers: ClinVar variation 4989387 (VCV004989387.1).